The following is an entry in ClinVar:

NM_001283009.2(RTEL1):c.760A>G (p.Asn254Asp)

Genes: RTEL1 (regulator of telomere elongation helicase 1; plus strand), RTEL1-TNFRSF6B (RTEL1-TNFRSF6B readthrough (NMD candidate); plus strand). Cytogenetic location: 20q13.33.
Variant type: single nucleotide variant.
Coding change: c.760A>G on transcript NM_001283009.2 (MANE Select); coding-DNA position 760, A replaced by G.
Protein change: p.Asn254Asp; replaces asparagine 254 with aspartic acid.
Molecular consequence: missense variant. On other transcripts: non-coding transcript variant (1).
Genome position (GRCh38, 1-based): chr20:63,672,616, A>G. VCF-style: chr20-63672616-A-G. GRCh37 (hg19) VCF-style: chr20-62303969-A-G.
Other names: c.91A>G, p.Asn31Asp (NM_001283010.1); c.760A>G, p.Asn254Asp (NM_016434.4); c.832A>G, p.Asn278Asp (NM_032957.5); short protein forms N254D, N278D, N31D.
Identifiers: ClinVar variation 4794388 (VCV004794388.1).

ClinVar aggregate classification (germline): Uncertain significance (1 of 4 stars; one submission).

Conditions:
Pulmonary fibrosis and/or bone marrow failure, Telomere-related, 3. Also called: PULMONARY FIBROSIS AND/OR BONE MARROW FAILURE SYNDROME, TELOMERE-RELATED, 3. Identifiers: Orphanet 2032, MedGen C4225346, MONDO:0014613, OMIM 616373.
Dyskeratosis congenita, autosomal recessive 5 (DKCB5). Identifiers: MedGen C3554656, MONDO:0014076, OMIM 615190.

Submission:

Labcorp Genetics (formerly Invitae), Labcorp
Classification: Uncertain significance for Dyskeratosis congenita, autosomal recessive 5; Pulmonary fibrosis and/or bone marrow failure, Telomere-related, 3. Last evaluated: 2025-11-24. Review status: criteria provided, single submitter. Criteria: Invitae Variant Classification Sherloc (09022015). Collection method: clinical testing. Allele origin: germline.
Comment: This sequence change replaces asparagine, which is neutral and polar, with aspartic acid, which is acidic and polar, at codon 254 of the RTEL1 protein (p.Asn254Asp). This variant is not present in population databases (gnomAD no frequency). This variant has not been reported in the literature in individuals affected with RTEL1-related conditions. An algorithm developed to predict the effect of missense changes on protein structure and function (PolyPhen-2) suggests that this variant is likely to be disruptive. In summary, the available evidence is currently insufficient to determine the role of this variant in disease. Therefore, it has been classified as a Variant of Uncertain Significance.